The following is an entry in ClinVar:

ClinVar aggregate classification (germline): Benign. Review status: criteria provided, multiple submitters, no conflicts (2 of 4 stars). 3 submissions from 3 submitters: Benign (3). Last evaluated 2021-07-01.

Conditions:
Familial dysautonomia. Also called: HSAN III; FD. Identifiers: Orphanet 1764, MedGen C0013364, MONDO:0009131, OMIM 223900. Disease mechanism: loss of function.

Allele frequency attached by ClinVar (database versions not stated): gnomAD exomes 0.66375 and 0.68718; ExAC 0.69707; gnomAD 0.70718 and 0.70760; ESP Exome Variant Server 0.70983; TOPMed 0.71072; 1000 Genomes Project 30x 0.74407; 1000 Genomes Project 0.74421.
gnomAD v4.1: 1,040,318 of 1,555,636 alleles (67%); highest among the groups gnomAD compares: African/African-American, 83%; 350,268 homozygotes.

Submissions (3):

Genome-Nilou Lab
Classification: Benign for Familial dysautonomia. Last evaluated: 2021-07-01. Review status: criteria provided, single submitter. Criteria: ACMG Guidelines, 2015. Collection method: clinical testing. Allele origin: germline. Affected: no.

GeneDx
Classification: Benign. Last evaluated: 2018-06-19. Review status: criteria provided, single submitter. Criteria: GeneDx Variant Classification (06012015). Collection method: clinical testing. Allele origin: germline. Affected: yes.
Comment: This variant is considered likely benign or benign based on one or more of the following criteria: it is a conservative change, it occurs at a poorly conserved position in the protein, it is predicted to be benign by multiple in silico algorithms, and/or has population frequency not consistent with disease.

Breakthrough Genomics
Classification: Benign. Review status: criteria provided, single submitter. Criteria: ACMG Guidelines, 2015. Collection method: not provided. Allele origin: germline. Inheritance: Autosomal recessive inheritance. Affected: yes.

NM_003640.5(ELP1):c.1361-23A>G

Gene: ELP1 (elongator acetyltransferase complex subunit 1; minus strand). Cytogenetic location: 9q31.3.
Variant type: single nucleotide variant.
Coding change: c.1361-23A>G on transcript NM_003640.5 (MANE Select); 23 bases into the intron before coding-DNA position 1361, A replaced by G.
Molecular consequence: intron variant.
Genome position (GRCh38, 1-based): chr9:108,908,427, T>C on the plus strand (A>G on the coding strand, the complement: ELP1 is on the minus strand). VCF-style: chr9-108908427-T-C. GRCh37 (hg19) VCF-style: chr9-111670707-T-C.
Other names: c.1019-23A>G (NM_001318360.2); c.314-23A>G (NM_001330749.2).
Identifiers: ClinVar variation 670532 (VCV000670532.5), dbSNP rs838824, ClinGen allele CA5175038.